The following is an entry in ClinVar:

ClinVar aggregate classification (germline): Conflicting classifications of pathogenicity. Review status: criteria provided, conflicting classifications (1 of 4 stars). 3 submissions from 3 submitters: Uncertain significance (1); Likely benign (2). Last evaluated 2025-07-01.

Conditions:
Werner syndrome (WRN). Identifiers: Orphanet 902, MedGen C0043119, MONDO:0010196, OMIM 277700.

Allele frequency attached by ClinVar (database versions not stated): gnomAD 0.00001 and 0.00002; ExAC 0.00002; gnomAD exomes 0.00003 and 0.00004; TOPMed 0.00003.
gnomAD v4.1: 43 of 1,613,020 alleles (0.0027%); highest among the groups gnomAD compares: Middle Eastern, 0.033%; no homozygotes.

Submissions (3):

CeGaT Center for Human Genetics Tuebingen
Classification: Likely benign. Last evaluated: 2025-07-01. Review status: criteria provided, single submitter. Criteria: CeGaT Center For Human Genetics Tuebingen Variant Classification Criteria Version 2. Collection method: clinical testing. Allele origin: germline. Affected: yes. Observed: 1 variant allele.
Comment: WRN: BP4, BP7

Labcorp Genetics (formerly Invitae), Labcorp
Classification: Likely benign for Werner syndrome. Last evaluated: 2025-04-21. Review status: criteria provided, single submitter. Criteria: Invitae Variant Classification Sherloc (09022015). Collection method: clinical testing. Allele origin: germline.

Eurofins Ntd Llc (ga)
Classification: Uncertain significance. Last evaluated: 2016-09-14. Review status: criteria provided, single submitter. Criteria: EGL Classification Definitions 2015. Collection method: clinical testing. Allele origin: germline. Observed: 1 variant allele, 1 heterozygote.

NM_000553.6(WRN):c.4035G>A (p.Thr1345=)

Gene: WRN (WRN RecQ like helicase; plus strand). Cytogenetic location: 8p12.
Variant type: single nucleotide variant.
Coding change: c.4035G>A on transcript NM_000553.6 (MANE Select); coding-DNA position 4035, G replaced by A.
Protein change: p.Thr1345=; no amino-acid change (threonine 1345 retained).
Molecular consequence: synonymous variant.
Genome position (GRCh38, 1-based): chr8:31,167,074, G>A. VCF-style: chr8-31167074-G-A. GRCh37 (hg19) VCF-style: chr8-31024590-G-A.
Identifiers: ClinVar variation 290686 (VCV000290686.22), dbSNP rs767115441, ClinGen allele CA4705250.